The following is an entry in ClinVar:

NM_000298.6(PKLR):c.883_884delinsAT (p.Ala295Ile)

Gene: PKLR (pyruvate kinase L/R; minus strand). Cytogenetic location: 1q22.
Variant type: Indel.
Coding change: c.883_884delinsAT on transcript NM_000298.6 (MANE Select); coding-DNA positions 883 to 884, GC replaced by AT.
Protein change: p.Ala295Ile; replaces alanine 295 with isoleucine.
Molecular consequence: missense variant.
Genome position (GRCh38, 1-based): chr1:155,294,563-155,294,564, GC replaced by AT on the plus strand (GC replaced by AT on the coding strand, the reverse complement: PKLR is on the minus strand). VCF-style: chr1-155294563-GC-AT. GRCh37 (hg19) VCF-style: chr1-155264354-GC-AT.
Other names: c.790_791delinsAT, p.Ala264Ile (NM_181871.4); short protein forms A264I, A295I.
Identifiers: ClinVar variation 3572712 (VCV003572712.1).

ClinVar aggregate classification (germline): Uncertain significance (1 of 4 stars; one submission).

Submission:

GeneDx
Classification: Uncertain significance. Last evaluated: 2024-07-07. Review status: criteria provided, single submitter. Criteria: GeneDx Variant Classification Process June 2021. Collection method: clinical testing. Allele origin: germline. Affected: yes.
Comment: In silico analysis indicates that this variant does not alter protein structure/function; Has not been previously published in association with pyruvate kinase deficiency to our knowledge; This variant is associated with the following publications: (PMID: 26832193, 21833022)